The following is an entry in ClinVar:

ClinVar aggregate classification (germline): Likely pathogenic (1 of 4 stars; one submission).

Submission:

GeneDx
Classification: Likely pathogenic. Last evaluated: 2015-07-20. Review status: criteria provided, single submitter. Criteria: GeneDx Variant Classification (06012015). Collection method: clinical testing. Allele origin: germline. Affected: yes.
Comment: The c.1978T>G variant in the BTK gene has not been reported previously as a disease-causing variant nor as a benign polymorphism, to our knowledge. The c.1978T>G variant destroys the termination codon at position 660, changes this codon to a Glycine residue, and is predicted result in an abnormal protein with an additional 4 amino acid residues at the C terminal, denoted as p.Ter660GlyextX4. This change may result in a protein with altered structure or function. The c.1978T>G variant was not observed in approximately 6500 individuals of European and African American ancestry in the NHLBI Exome Sequencing Project, indicating it is not a common benign variant in these populations. The c.1978T>G variant is a strong candidate for a disease-causing variant, however the possibility it may be a rare benign variant cannot be excluded.

NM_000061.3(BTK):c.1978T>G (p.Ter660Gly)

Gene: BTK (Bruton tyrosine kinase; minus strand). Cytogenetic location: Xq22.1.
Variant type: single nucleotide variant.
Coding change: c.1978T>G on transcript NM_000061.3 (MANE Select); coding-DNA position 1978, T replaced by G.
Protein change: p.Ter660Gly.
Molecular consequence: stop lost.
Genome position (GRCh38, 1-based): chrX:101,349,887, A>C on the plus strand (T>G on the coding strand, the complement: BTK is on the minus strand). VCF-style: chrX-101349887-A-C. GRCh37 (hg19) VCF-style: chrX-100604875-A-C.
Other names: *660G; *484G; *694G; c.2080T>G, p.Ter694Gly (NM_001287344.2); c.1450T>G, p.Ter484Gly (NM_001287345.2).
Identifiers: ClinVar variation 427054 (VCV000427054.2), dbSNP rs1085307927, ClinGen allele CA413917454.